The following is an entry in ClinVar:

ClinVar aggregate classification (germline): Likely pathogenic (1 of 4 stars; one submission).

Conditions:
Hypohidrotic X-linked ectodermal dysplasia (XHED). Also called: ECTODERMAL DYSPLASIA, HYPOHIDROTIC, 1; CST SYNDROME; Ectodermal Dysplasia 1, Anhidrotic; Anhidrotic ectodermal dysplasia X-linked; Christ Siemens Touraine syndrome; ECTODERMAL DYSPLASIA 1, HYPOHIDROTIC/HAIR/TOOTH TYPE, X-LINKED. Identifiers: Orphanet 181, Orphanet 238468, MedGen C0162359, MONDO:0010585, OMIM 305100.

Submission:

Laboratorio de Genetica e Diagnostico Molecular, Hospital Israelita Albert Einstein
Classification: Likely pathogenic for Hypohidrotic X-linked ectodermal dysplasia. Last evaluated: 2022-04-12. Review status: criteria provided, single submitter. Criteria: ACMG Guidelines, 2015. Collection method: clinical testing. Allele origin: germline. Affected: yes. Observed: 1 variant allele.
Comment: ACMG classification criteria: PVS1 very strong, PM2 moderated

NM_001399.5(EDA):c.4delinsAT (p.Gly2fs)

Gene: EDA (ectodysplasin A; plus strand). Cytogenetic location: Xq13.1.
Variant type: Indel.
Coding change: c.4delinsAT on transcript NM_001399.5 (MANE Select); coding-DNA position 4, G replaced by AT.
Protein change: p.Gly2fs; shifts the reading frame from glycine 2.
Molecular consequence: frameshift variant.
Genome position (GRCh38, 1-based): chrX:69,616,312, G replaced by AT. VCF-style: chrX-69616312-G-AT. GRCh37 (hg19) VCF-style: chrX-68836156-G-AT.
Other names: c.4delinsAT, p.Gly2fs (NM_001005609.2, NM_001005610.4, NM_001005612.3 and 1 more transcripts); c.4delGinsAT, p.Gly2Metfs (NM_001005615.1); short protein forms G2fs.
Identifiers: ClinVar variation 2431358 (VCV002431358.1), dbSNP rs2519669569, ClinGen allele CA2580101291.